The following is an entry in ClinVar:

ClinVar aggregate classification (germline): Uncertain significance. Review status: criteria provided, multiple submitters, no conflicts (2 of 4 stars). 4 submissions from 4 submitters: Uncertain significance (4). Last evaluated 2026-07-06.

Conditions:
Cardiomyopathy (CMYO). Also called: Cardiomyopathies. Identifiers: Orphanet 167848, MedGen C0878544, MONDO:0004994, HP:0001638. Inheritance: Various modes of inheritance.
Arrhythmogenic right ventricular dysplasia 2. Identifiers: MedGen C1832931.
Ventricular arrhythmias due to cardiac ryanodine receptor calcium release deficiency syndrome. Also called: Autosomal dominant cardiac arrhythmia (Kuhn). Identifiers: MedGen C5542154, MONDO:0020745, OMIM 115000.
Catecholaminergic polymorphic ventricular tachycardia 1. Also called: VENTRICULAR TACHYCARDIA, CATECHOLAMINERGIC POLYMORPHIC, 1, WITH OR WITHOUT ATRIAL DYSFUNCTION AND/OR DILATED CARDIOMYOPATHY; RYR2-Related Catecholaminergic Polymorphic Ventricular Tachycardia; VENTRICULAR TACHYCARDIA, STRESS-INDUCED POLYMORPHIC 1. Identifiers: Orphanet 3286, MedGen C1631597, MONDO:0011484, OMIM 604772.
Cardiovascular phenotype. Identifiers: MedGen CN230736.
Catecholaminergic polymorphic ventricular tachycardia (CVPT). Also called: Catecholamine-induced polymorphic ventricular tachycardia. Identifiers: Orphanet 3286, MedGen C5574922, MONDO:0017990.

Allele frequency attached by ClinVar (database versions not stated): gnomAD exomes below 0.00001; TOPMed 0.00001; gnomAD 0.00001.
gnomAD v4.1: 4 of 1,613,470 alleles (0.00025%); highest among the groups gnomAD compares: Non-Finnish European, 0.00034%; no homozygotes.

Submissions (4):

Ambry Genetics
Classification: Uncertain significance for Cardiovascular phenotype. Last evaluated: 2026-07-06. Review status: criteria provided, single submitter. Criteria: Ambry Variant Classification Scheme 2023. Collection method: clinical testing. Allele origin: germline.
Comment: The p.E4064D variant (also known as c.12192A>C), located in coding exon 90 of the RYR2 gene, results from an A to C substitution at nucleotide position 12192. The glutamic acid at codon 4064 is replaced by aspartic acid, an amino acid with highly similar properties. This amino acid position is conserved. In addition, this alteration is predicted to be tolerated by in silico analysis. Based on the available evidence, the clinical significance of this variant remains unclear.

Color Diagnostics, LLC DBA Color Health
Classification: Uncertain significance for Cardiomyopathy. Last evaluated: 2024-03-07. Review status: criteria provided, single submitter. Criteria: ACMG Guidelines, 2015. Collection method: clinical testing. Allele origin: germline.
Comment: This missense variant replaces glutamic acid with aspartic acid at codon 4064 of the RYR2 protein. Computational prediction suggests that this variant may not impact protein structure and function (internally defined REVEL score threshold <= 0.5, PMID: 27666373). To our knowledge, functional studies have not been reported for this variant. This variant has not been reported in individuals affected with RYR2-related disorders in the literature. This variant has not been identified in the general population by the Genome Aggregation Database (gnomAD). The available evidence is insufficient to determine the role of this variant in disease conclusively. Therefore, this variant is classified as a Variant of Uncertain Significance.

All of Us Research Program, National Institutes of Health
Classification: Uncertain significance for Catecholaminergic polymorphic ventricular tachycardia. Last evaluated: 2023-10-23. Review status: criteria provided, single submitter. Criteria: ACMG Guidelines, 2015. Collection method: clinical testing. Allele origin: germline. Inheritance: Autosomal dominant inheritance. Observed: 1 variant allele, 1 heterozygote.
Comment: Variant of Uncertain Significance due to insufficient evidence: This missense variant is located in the cytoplasmic domain of the RYR2 protein. Computational prediction tools and conservation analyses are inconclusive regarding the impact of this variant on the protein function. Computational splicing tools suggest that this variant may not impact RNA splicing. To our knowledge, functional assays have not been performed for this variant nor has this variant been reported in individuals affected with cardiovascular disorders in the literature. This variant is rare in the general population and has been identified in 0/277264 chromosomes by the Genome Aggregation Database (gnomAD). Available evidence is insufficient to determine the pathogenicity of this variant conclusively.

This study involves interpretation of variants in research participants for the purpose of population health screening. Participant phenotype was not available at the time of variant classification. Additional details can be found in publication PMID: 35346344, PMCID: PMC8962531

Fulgent Genetics
Classification: Uncertain significance for Ventricular arrhythmias due to cardiac ryanodine receptor calcium release deficiency syndrome; Catecholaminergic polymorphic ventricular tachycardia 1. Last evaluated: 2021-08-18. Review status: criteria provided, single submitter. Criteria: ACMG Guidelines, 2015. Collection method: clinical testing. Allele origin: unknown.

NM_001035.3(RYR2):c.12192A>C (p.Glu4064Asp)

Gene: RYR2 (ryanodine receptor 2; plus strand). Cytogenetic location: 1q43.
Variant type: single nucleotide variant.
Coding change: c.12192A>C on transcript NM_001035.3 (MANE Select); coding-DNA position 12192, A replaced by C.
Protein change: p.Glu4064Asp; replaces glutamic acid 4064 with aspartic acid.
Molecular consequence: missense variant.
Genome position (GRCh38, 1-based): chr1:237,783,904, A>C. VCF-style: chr1-237783904-A-C. GRCh37 (hg19) VCF-style: chr1-237947204-A-C.
Other names: c.12192A>C (NM_001035.2); short protein forms E4064D.
Identifiers: ClinVar variation 922948 (VCV000922948.8), dbSNP rs1172947190, ClinGen allele CA345412525.